The following is an entry in ClinVar:

ClinVar aggregate classification (germline): Pathogenic. Review status: criteria provided, single submitter (1 of 4 stars). 3 submissions from 3 submitters: Pathogenic (1). 2 of the submissions do not count toward it. Last evaluated 2022-08-26.

Conditions:
Distal arthrogryposis and CNS involvement.

Submissions (3):

Centre of Medical Genetics, University Hospital Muenster
Classification: Pathogenic. Last evaluated: 2022-08-26. Review status: criteria provided, single submitter. Criteria: ACMG Guidelines, 2015. Collection method: clinical testing. Allele origin: unknown. Affected: yes. Observed: 1 variant allele, 1 homozygote.
Comment: ACMG categories: PVS1,PM2,PP3,PP5

OMIM
Classification: Uncertain significance for VARIANT OF UNKNOWN SIGNIFICANCE. Last evaluated: 2023-01-31. Review status: no assertion criteria provided. Collection method: literature only. Allele origin: germline. Not counted in ClinVar's aggregate classification.

Istanbul Faculty of Medicine, Istanbul University
Classification: Pathogenic for Distal arthrogryposis and CNS involvement. Last evaluated: 2021-11-18. Review status: no assertion criteria provided. Collection method: clinical testing. Allele origin: germline. Affected: yes. Observed: 3 variant alleles. Not counted in ClinVar's aggregate classification.
Comment: Identied in three affected fetuses

Literature cited by the submitters: PubMed 35066879 (cited by OMIM and Istanbul Faculty of Medicine, Istanbul University).

NM_005151.4(USP14):c.233_236del (p.Leu78fs)

Gene: USP14 (ubiquitin specific peptidase 14; plus strand). Cytogenetic location: 18p11.32.
Variant type: Deletion.
Coding change: c.233_236del on transcript NM_005151.4 (MANE Select); coding-DNA positions 233 to 236, 4 bases deleted (TTCC; older notation c.233_236delTTCC).
Protein change: p.Leu78fs; shifts the reading frame from leucine 78.
Molecular consequence: frameshift variant. On other transcripts: intron variant (1).
Genome position (GRCh38, 1-based): chr18:178,970-178,973, TTCC deleted; deleting any 4 consecutive bases within chr18:178,969-178,973 gives the same sequence; the c. name uses the placement nearest the transcript's 3' end. VCF-style (leftmost placement, unchanged base first): chr18-178968-TCTTC-T. GRCh37 (hg19) VCF-style: chr18-178968-TCTTC-T.
Other names: 4-BP DEL, 233TTCC; c.196-1266_196-1263del (NM_001037334.2); c.233_236delTTCC (NM_005151.4); short protein forms L78fs.
Identifiers: ClinVar variation 1064693 (VCV001064693.16), dbSNP rs2144233064, ClinGen allele CA2499225052.
Genomic context (GRCh38, chr18:178,968, plus strand): 5'-ATGAAATTACTTTTTTTAAAAACAGGGAATGACTCTACTAATGATGGGGTCAGCAGATGC[TCTTC>T]CAGAAGAACCCTCAGCCAAAACTGTCTTCGTAGAAGACATGACAGAAGAACAGTTAGCAT-3'